The following is an entry in ClinVar:

NM_002109.6(HARS1):c.235G>A (p.Val79Ile)

Gene: HARS1 (histidyl-tRNA synthetase 1; minus strand). Cytogenetic location: 5q31.3.
Variant type: single nucleotide variant.
Coding change: c.235G>A on transcript NM_002109.6 (MANE Select); coding-DNA position 235, G replaced by A.
Protein change: p.Val79Ile; replaces valine 79 with isoleucine.
Molecular consequence: missense variant. On other transcripts: intron variant (3).
Genome position (GRCh38, 1-based): chr5:140,683,165, C>T on the plus strand (G>A on the coding strand, the complement: HARS1 is on the minus strand). VCF-style: chr5-140683165-C-T. GRCh37 (hg19) VCF-style: chr5-140062750-C-T.
Other names: c.235G>A (NM_002109.5); c.235G>A, p.Val79Ile (NM_001258041.3, NM_001289092.2); c.148G>A, p.Val50Ile (NM_001289094.2); c.181-5150G>A (NM_001289093.2); c.181-3282G>A (NM_001258042.3, NM_001258040.3); short protein forms V50I, V79I.
Identifiers: ClinVar variation 1016615 (VCV001016615.10), dbSNP rs1247876038, ClinGen allele CA361259178.
Genomic context (GRCh38, chr5:140,683,165, plus strand): 5'-GTTCAAATACAGGTGTATCAATGACTTCTGCACCGTGGCGCTTGAAGCAACGGATGATTA[C>T]GTCAAACACCTTCTCGCGAACTGCCATCTGCCGGGGACTATAGTCTCTTGTGCCCTTGGA-3'
Protein context (NP_002100.2, residues 69-89): QMAVREKVFD[Val79Ile]IIRCFKRHGA

ClinVar aggregate classification (germline): Uncertain significance. Review status: criteria provided, multiple submitters, no conflicts (2 of 4 stars). 3 submissions from 3 submitters: Uncertain significance (3). Last evaluated 2026-09-21.

Conditions:
HARS1-related disorder. Also called: HARS1-related condition.
Usher syndrome type 3B. Also called: USHER SYNDROME, TYPE IIIB. Identifiers: MedGen C3281066, MONDO:0013788, OMIM 614504.

Allele frequency attached by ClinVar (database versions not stated): gnomAD exomes below 0.00001 and 0.00001; TOPMed below 0.00001; gnomAD 0.00001.

Submissions (3):

PreventionGenetics, part of Exact Sciences
Classification: Uncertain significance for HARS1-related condition. Last evaluated: 2026-09-21. Review status: criteria provided, single submitter. Criteria: ACMG Guidelines, 2015. Collection method: clinical testing. Allele origin: germline.
Comment: The HARS1 c.235G>A variant is predicted to result in the amino acid substitution p.Val79Ile. To our knowledge, this variant has not been reported in the literature. This variant is reported in 0.0029% of alleles in individuals of Latino descent in gnomAD. At this time, the clinical significance of this variant is uncertain due to the absence of conclusive functional and genetic evidence.

Labcorp Genetics (formerly Invitae), Labcorp
Classification: Uncertain significance for Usher syndrome type 3B. Last evaluated: 2024-05-06. Review status: criteria provided, single submitter. Criteria: Invitae Variant Classification Sherloc (09022015). Collection method: clinical testing. Allele origin: germline.
Comment: This sequence change replaces valine, which is neutral and non-polar, with isoleucine, which is neutral and non-polar, at codon 79 of the HARS protein (p.Val79Ile). This variant is present in population databases (no rsID available, gnomAD 0.003%). This variant has not been reported in the literature in individuals affected with HARS-related conditions. ClinVar contains an entry for this variant (Variation ID: 1016615). Advanced modeling of protein sequence and biophysical properties (such as structural, functional, and spatial information, amino acid conservation, physicochemical variation, residue mobility, and thermodynamic stability) performed at Invitae indicates that this missense variant is not expected to disrupt HARS protein function with a negative predictive value of 80%. In summary, the available evidence is currently insufficient to determine the role of this variant in disease. Therefore, it has been classified as a Variant of Uncertain Significance.

Blueprint Genetics
Classification: Uncertain significance. Last evaluated: 2024-01-31. Review status: criteria provided, single submitter. Criteria: ACMG Guidelines, 2015. Collection method: clinical testing. Allele origin: germline.